The following is an entry in ClinVar:

ClinVar aggregate classification (germline): Uncertain significance (1 of 4 stars; one submission).

Submission:

Genetic Services Laboratory, University of Chicago
Classification: Uncertain significance. Last evaluated: 2021-06-25. Review status: criteria provided, single submitter. Criteria: ACMG Guidelines, 2015. Collection method: clinical testing. Allele origin: germline. Affected: no.
Comment: DNA sequence analysis of the NIN gene demonstrated a sequence change, c.5187G>T, in exon 23 that results in an amino acid change, p.Lys1729Asn. This sequence change is absent from known population databases (gnomAD). The p.Lys1729Asn change affects a highly conserved amino acid residue located in a domain of the NIN protein that is not known to be functional. In-silico pathogenicity prediction tools (SIFT, PolyPhen2, Align GVGD, REVEL) provide contradictory results for the p.Lys1729Asn substitution. This sequence change occurs in the last base pair of exon 23. Splicing prediction tools indicate that this sequence change is likely to have some effect on normal mRNA splicing and may result in the skipping of exon 23. However, it is expected to preserve the integrity of the reading frame. This sequence change does not appear to have been previously described in patients with NIN-related disorders. Due to the lack of functional studies and sufficient evidences, the clinical significance of the p.Lys1729Asn change remains unknown at this time.

NM_020921.4(NIN):c.5187G>T (p.Lys1729Asn)

Genes: NIN (ninein; minus strand), LOC126861936 (BRD4-independent group 4 enhancer GRCh37_chr14:51210620-51211819; plus strand). Cytogenetic location: 14q22.1.
Variant type: single nucleotide variant.
Coding change: c.5187G>T on transcript NM_020921.4 (MANE Select); coding-DNA position 5187, G replaced by T.
Protein change: p.Lys1729Asn; replaces lysine 1729 with asparagine.
Molecular consequence: missense variant.
Genome position (GRCh38, 1-based): chr14:50,744,243, C>A on the plus strand (G>T on the coding strand, the complement: NIN is on the minus strand). VCF-style: chr14-50744243-C-A. GRCh37 (hg19) VCF-style: chr14-51210961-C-A.
Other names: c.3048G>T, p.Lys1016Asn (NM_016350.5); c.5187G>T, p.Lys1729Asn (NM_182944.3, NM_182946.2); short protein forms K1016N, K1729N.
Identifiers: ClinVar variation 1337987 (VCV001337987.4), dbSNP rs1392282067, ClinGen allele CA389682165.
Genomic context (GRCh38, chr14:50,744,243, plus strand): 5'-AAAGGTTCATTATGGTGTGTATTGTATACGATGATGGTAAAGTCTTATTACTTCTACTAC[C>A]TTATCGACACAGCTATTTAATTCCTCACTCAGAGCTTCCTTTTCTTTCAGCAGTTTTTCG-3'
Protein context (NP_065972.4, residues 1719-1739): LSEELNSCVD[Lys1729Asn]LAKSSLLEHR